The following is an entry in ClinVar:

NM_003282.4(TNNI2):c.187-11C>G

Gene: TNNI2 (troponin I2, fast skeletal type; plus strand). Cytogenetic location: 11p15.5.
Variant type: single nucleotide variant.
Coding change: c.187-11C>G on transcript NM_003282.4 (MANE Select); 11 bases into the intron before coding-DNA position 187, C replaced by G.
Molecular consequence: intron variant.
Genome position (GRCh38, 1-based): chr11:1,840,808, C>G. VCF-style: chr11-1840808-C-G. GRCh37 (hg19) VCF-style: chr11-1862038-C-G.
Other names: c.187-11C>G (NM_001145829.2, NM_001145841.2).
Identifiers: ClinVar variation 3381424 (VCV003381424.2).

ClinVar aggregate classification (germline): Uncertain significance. Review status: criteria provided, multiple submitters, no conflicts (2 of 4 stars). 2 submissions from 2 submitters: Uncertain significance (2). Last evaluated 2024-08-05.

gnomAD v4.1: 16 of 1,609,684 alleles (0.00099%); highest among the groups gnomAD compares: African/African-American, 0.0013%; no homozygotes.

Submissions (2):

Blueprint Genetics
Classification: Uncertain significance. Last evaluated: 2024-08-05. Review status: criteria provided, single submitter. Criteria: ACMG Guidelines, 2015. Collection method: clinical testing. Allele origin: germline.

GeneDx
Classification: Uncertain significance. Last evaluated: 2024-05-19. Review status: criteria provided, single submitter. Criteria: GeneDx Variant Classification Process June 2021. Collection method: clinical testing. Allele origin: germline. Affected: yes.
Comment: In silico analysis supports a deleterious effect on splicing; Has not been previously published as pathogenic or benign to our knowledge